The following is an entry in ClinVar:

ClinVar aggregate classification (germline): Pathogenic/Likely pathogenic. Review status: criteria provided, multiple submitters, no conflicts (2 of 4 stars). 6 submissions from 6 submitters: Pathogenic (3); Likely pathogenic (3). Last evaluated 2025-04-14.

Conditions:
Retinitis pigmentosa 12 (RP12). Also called: RP WITH OR WITHOUT PRESERVED PARAARTERIOLE RETINAL PIGMENT EPITHELIUM; RETINITIS PIGMENTOSA WITH OR WITHOUT PARAARTERIOLAR PRESERVATION OF RETINAL PIGMENT EPITHELIUM; RP WITH OR WITHOUT PPRPE. Identifiers: Orphanet 791, MedGen C1838647, MONDO:0010818, OMIM 600105.
Leber congenital amaurosis 8 (LCA8). Identifiers: Orphanet 65, MedGen C3151202, MONDO:0013453, OMIM 613835.
Pigmented paravenous retinochoroidal atrophy. Identifiers: Orphanet 251295, MedGen C1868310, MONDO:0008246, OMIM 172870.
Leber congenital amaurosis (LCA). Also called: Leber's amaurosis. Identifiers: Orphanet 65, MedGen C0339527, MeSH D057130, MONDO:0018998.
Retinal dystrophy. Also called: Inherited retinal dystrophy. Identifiers: Orphanet 71862, MedGen C0854723, MeSH D058499, MONDO:0019118, HP:0000556.

Allele frequency attached by ClinVar (database versions not stated): TOPMed below 0.00001; gnomAD exomes 0.00001 and 0.00002; ExAC 0.00002.
gnomAD v4.1: 7 of 1,613,444 alleles (0.00043%); highest among the groups gnomAD compares: Middle Eastern, 0.017%; no homozygotes.

Submissions (6):

Dasa
Classification: Likely pathogenic. Last evaluated: 2025-04-14. Review status: criteria provided, single submitter. Criteria: DASA Assertion Criteria. Collection method: clinical testing. Allele origin: germline.
Comment: NM_201253.3(CRB1):c.3488G>T (p.Cys1163Phe) is a missense variant that results in the substitution of cysteine with phenylalanine. Segregation data support an association with disease in the reported family/families (PMID: 24535598; PMID: 26047050; PMID: 28129017). This variant has been recurrently observed in individuals with CRB1-related disorders (PMID: 24535598; PMID: 26047050; PMID: 28129017). Also, this variant is rare in population databases. Computational evidence supports a deleterious effect. Based on the currently available evidence, this variant is classified as likely pathogenic.

Natera, Inc.
Classification: Likely pathogenic for Leber congenital amaurosis. Last evaluated: 2025-04-12. Review status: criteria provided, single submitter. Criteria: Natera Variant Classification Schema (03/2026). Collection method: clinical testing. Allele origin: germline.
Comment: The c.3488G>T variant in CRB1 is a missense variant predicted to cause substitution of cysteine to phenylalanine at amino acid 1163. This variant is rare in the general population with a frequency below the threshold expected for the associated phenotype(s). This variant has been observed in one or more individuals affected with the associated recessive disease, as either homozygous or compound heterozygous with a second variant (PMID: 33342761, 26047050, 28129017, 36729443, 39462066). Computational prediction algorithms indicate this variant is likely to affect gene or protein function. Given the available evidence, this variant is classified as Likely Pathogenic.

Labcorp Genetics (formerly Invitae), Labcorp
Classification: Pathogenic for Leber congenital amaurosis 8; Retinitis pigmentosa 12. Last evaluated: 2024-02-27. Review status: criteria provided, single submitter. Criteria: Invitae Variant Classification Sherloc (09022015). Collection method: clinical testing. Allele origin: germline.
Comment: This sequence change replaces cysteine, which is neutral and slightly polar, with phenylalanine, which is neutral and non-polar, at codon 1163 of the CRB1 protein (p.Cys1163Phe). This variant is present in population databases (rs768713412, gnomAD 0.01%). This missense change has been observed in individuals with CRB1-related retinal dystrophy (PMID: 24535598, 26047050, 28129017; Invitae). It has also been observed to segregate with disease in related individuals. ClinVar contains an entry for this variant (Variation ID: 845976). Advanced modeling of protein sequence and biophysical properties (such as structural, functional, and spatial information, amino acid conservation, physicochemical variation, residue mobility, and thermodynamic stability) performed at Invitae indicates that this missense variant is expected to disrupt CRB1 protein function with a positive predictive value of 95%. For these reasons, this variant has been classified as Pathogenic.

Baylor Genetics
Classification: Pathogenic for Leber congenital amaurosis 8. Last evaluated: 2023-01-17. Review status: criteria provided, single submitter. Criteria: ACMG Guidelines, 2015. Collection method: clinical testing. Allele origin: unknown.

Institute of Human Genetics, Univ. Regensburg, Univ. Regensburg
Classification: Likely pathogenic for Retinal dystrophy. Last evaluated: 2020-01-01. Review status: criteria provided, single submitter. Criteria: ACMG Guidelines, 2015. Collection method: clinical testing. Allele origin: germline. Affected: yes.

Juno Genomics, Hangzhou Juno Genomics, Inc
Classification: Pathogenic for Leber congenital amaurosis 8; Pigmented paravenous retinochoroidal atrophy; Retinitis pigmentosa 12. Review status: criteria provided, single submitter. Criteria: ACMG Guidelines, 2015. Collection method: clinical testing. Allele origin: germline.
Comment: Absent from controls (or at extremely low frequency if recessive) in Genome Aggregation Database.;Multiple lines of computational evidence support a deleterious effect on the gene or gene product.;For recessive disorders, detected in trans with a pathogenic variant.;Patient's phenotype or family history is highly specific for a disease with a single genetic etiology.

Literature cited by the submitters: PubMed 24535598 (cited by 3 submitters); PubMed 26047050 (cited by 4 submitters); PubMed 28129017 (cited by 4 submitters); PubMed 31964843 (cited by Dasa and Institute of Human Genetics, Univ. Regensburg, Univ. Regensburg); PubMed 33342761 (cited by Natera, Inc.); PubMed 36729443 (cited by Natera, Inc.); PubMed 39462066 (cited by Natera, Inc.).

NM_201253.3(CRB1):c.3488G>T (p.Cys1163Phe)

Gene: CRB1 (crumbs cell polarity complex component 1; plus strand). Cytogenetic location: 1q31.3.
Variant type: single nucleotide variant.
Coding change: c.3488G>T on transcript NM_201253.3 (MANE Select); coding-DNA position 3488, G replaced by T.
Protein change: p.Cys1163Phe; replaces cysteine 1163 with phenylalanine.
Molecular consequence: missense variant. On other transcripts: non-coding transcript variant (2), intron variant (1).
Genome position (GRCh38, 1-based): chr1:197,435,351, G>T. VCF-style: chr1-197435351-G-T. GRCh37 (hg19) VCF-style: chr1-197404481-G-T.
Other names: c.3152G>T, p.Cys1051Phe (NM_001193640.2); c.3416G>T, p.Cys1139Phe (NM_001257965.2); c.2129-249G>T (NM_001257966.2); short protein forms C1051F, C1139F, C1163F.
Identifiers: ClinVar variation 845976 (VCV000845976.14), dbSNP rs768713412, ClinGen allele CA1312343.